The following is an entry in ClinVar:

NM_004082.5(DCTN1):c.1178A>G (p.Lys393Arg)

Gene: DCTN1 (dynactin subunit 1; minus strand). Cytogenetic location: 2p13.1.
Variant type: single nucleotide variant.
Coding change: c.1178A>G on transcript NM_004082.5 (MANE Select); coding-DNA position 1178, A replaced by G.
Protein change: p.Lys393Arg; replaces lysine 393 with arginine.
Molecular consequence: missense variant. On other transcripts: non-coding transcript variant (1).
Genome position (GRCh38, 1-based): chr2:74,370,295, T>C on the plus strand (A>G on the coding strand, the complement: DCTN1 is on the minus strand). VCF-style: chr2-74370295-T-C. GRCh37 (hg19) VCF-style: chr2-74597422-T-C.
Other names: c.1118A>G, p.Lys373Arg (NM_001135040.3); c.776A>G, p.Lys259Arg (NM_001135041.3, NM_023019.4); c.1067A>G, p.Lys356Arg (NM_001190836.2); c.1157A>G, p.Lys386Arg (NM_001190837.2); c.1127A>G, p.Lys376Arg (NM_001378991.1); c.1109A>G, p.Lys370Arg (NM_001378992.1); short protein forms K386R, K259R, K370R, K373R, K376R, K356R, K393R.
Identifiers: ClinVar variation 1741182 (VCV001741182.6), dbSNP rs375072134, ClinGen allele CA1722220.

ClinVar aggregate classification (germline): Uncertain significance. Review status: criteria provided, multiple submitters, no conflicts (2 of 4 stars). 3 submissions from 3 submitters: Uncertain significance (3). Last evaluated 2025-10-29.

Conditions:
DCTN1-related disorder. Also called: DCTN1-related condition.
Inborn genetic diseases. Identifiers: MedGen C0950123, MeSH D030342.
Amyotrophic lateral sclerosis type 1 (ALS1). Also called: AMYOTROPHIC LATERAL SCLEROSIS 1, FAMILIAL. Identifiers: Orphanet 803, MedGen C1862939, MONDO:0007103, OMIM 105400.
Neuronopathy, distal hereditary motor, type 7B. Also called: NEURONOPATHY, DISTAL HEREDITARY MOTOR, AUTOSOMAL DOMINANT 14; NEURONOPATHY, DISTAL HEREDITARY MOTOR, HARDING TYPE VIIB; NEUROPATHY, DISTAL HEREDITARY MOTOR, HARDING TYPE VIIB; NEUROPATHY, DISTAL HEREDITARY MOTOR, WITH VOCAL CORD PARALYSIS, HARDING TYPE VIIB; HMN VIIB; Distal Hereditary Motor Neuronopathy Type 7B (dHMN7B). Identifiers: Orphanet 139589, MedGen C1843315, MONDO:0011879, OMIM 607641.
Perry syndrome. Also called: PARKINSONISM WITH ALVEOLAR HYPOVENTILATION AND MENTAL DEPRESSION. Identifiers: Orphanet 178509, MedGen C1868594, MONDO:0008201, OMIM 168605.

Allele frequency attached by ClinVar (database versions not stated): gnomAD 0.00002; gnomAD exomes 0.00002; ESP Exome Variant Server 0.00008; TOPMed 0.00001; ExAC 0.00002.

Submissions (3):

Labcorp Genetics (formerly Invitae), Labcorp
Classification: Uncertain significance for Amyotrophic lateral sclerosis type 1; Neuronopathy, distal hereditary motor, type 7B; Perry syndrome. Last evaluated: 2025-10-29. Review status: criteria provided, single submitter. Criteria: Invitae Variant Classification Sherloc (09022015). Collection method: clinical testing. Allele origin: germline.
Comment: This sequence change replaces lysine, which is basic and polar, with arginine, which is basic and polar, at codon 393 of the DCTN1 protein (p.Lys393Arg). This variant is present in population databases (rs375072134, gnomAD 0.004%). This variant has not been reported in the literature in individuals affected with DCTN1-related conditions. ClinVar contains an entry for this variant (Variation ID: 1741182). Invitae Evidence Modeling of protein sequence and biophysical properties (such as structural, functional, and spatial information, amino acid conservation, physicochemical variation, residue mobility, and thermodynamic stability) indicates that this missense variant is not expected to disrupt DCTN1 protein function with a negative predictive value of 95%. In summary, the available evidence is currently insufficient to determine the role of this variant in disease. Therefore, it has been classified as a Variant of Uncertain Significance.

PreventionGenetics, part of Exact Sciences
Classification: Uncertain significance for DCTN1-related condition. Last evaluated: 2025-09-10. Review status: criteria provided, single submitter. Criteria: ACMG Guidelines, 2015. Collection method: clinical testing. Allele origin: germline.
Comment: The DCTN1 c.1178A>G variant is predicted to result in the amino acid substitution p.Lys393Arg. To our knowledge, this variant has not been reported in the literature. This variant is reported in 0.0044% of alleles in individuals of European (Non-Finnish) descent in gnomAD. At this time, the clinical significance of this variant is uncertain due to the absence of conclusive functional and genetic evidence.

Ambry Genetics
Classification: Uncertain significance for Inborn genetic diseases. Last evaluated: 2025-05-01. Review status: criteria provided, single submitter. Criteria: Ambry Variant Classification Scheme 2023. Collection method: clinical testing. Allele origin: germline.